The following is an entry in ClinVar:

ClinVar aggregate classification (germline): Uncertain significance (1 of 4 stars; one submission).

Submission:

Labcorp Genetics (formerly Invitae), Labcorp
Classification: Uncertain significance. Last evaluated: 2023-05-11. Review status: criteria provided, single submitter. Criteria: Invitae Variant Classification Sherloc (09022015). Collection method: clinical testing. Allele origin: germline.
Comment: This sequence change replaces serine, which is neutral and polar, with arginine, which is basic and polar, at codon 6 of the SLC10A2 protein (p.Ser6Arg). This variant is not present in population databases (gnomAD no frequency). In summary, the available evidence is currently insufficient to determine the role of this variant in disease. Therefore, it has been classified as a Variant of Uncertain Significance. Algorithms developed to predict the effect of missense changes on protein structure and function output the following: SIFT: "Not Available"; PolyPhen-2: "Benign"; Align-GVGD: "Not Available". The arginine amino acid residue is found in multiple mammalian species, which suggests that this missense change does not adversely affect protein function. This variant has not been reported in the literature in individuals affected with SLC10A2-related conditions.

NM_000452.3(SLC10A2):c.18C>G (p.Ser6Arg)

Gene: SLC10A2 (solute carrier family 10 member 2; minus strand). Cytogenetic location: 13q33.1.
Variant type: single nucleotide variant.
Coding change: c.18C>G on transcript NM_000452.3 (MANE Select); coding-DNA position 18, C replaced by G.
Protein change: p.Ser6Arg; replaces serine 6 with arginine.
Molecular consequence: missense variant.
Genome position (GRCh38, 1-based): chr13:103,066,232, G>C on the plus strand (C>G on the coding strand, the complement: SLC10A2 is on the minus strand). VCF-style: chr13-103066232-G-C. GRCh37 (hg19) VCF-style: chr13-103718582-G-C.
Other names: short protein forms S6R.
Identifiers: ClinVar variation 2863508 (VCV002863508.3), dbSNP rs1876275964, ClinGen allele CA388609664.